The following is an entry in ClinVar:

ClinVar aggregate classification (germline): Uncertain significance (1 of 4 stars; one submission).

Conditions:
Walker-Warburg congenital muscular dystrophy. Also called: Muscular dystrophy-dystroglycanopathy, type A; Walker-Warburg syndrome. Identifiers: Orphanet 899, MedGen C0265221, MONDO:0000171.

Submission:

Labcorp Genetics (formerly Invitae), Labcorp
Classification: Uncertain significance for Walker-Warburg congenital muscular dystrophy. Last evaluated: 2025-05-23. Review status: criteria provided, single submitter. Criteria: Invitae Variant Classification Sherloc (09022015). Collection method: clinical testing. Allele origin: germline.
Comment: This sequence change replaces asparagine, which is neutral and polar, with isoleucine, which is neutral and non-polar, at codon 67 of the FKTN protein (p.Asn67Ile). This variant is not present in population databases (gnomAD no frequency). This variant has not been reported in the literature in individuals affected with FKTN-related conditions. Invitae Evidence Modeling of protein sequence and biophysical properties (such as structural, functional, and spatial information, amino acid conservation, physicochemical variation, residue mobility, and thermodynamic stability) indicates that this missense variant is not expected to disrupt FKTN protein function with a negative predictive value of 95%. In summary, the available evidence is currently insufficient to determine the role of this variant in disease. Therefore, it has been classified as a Variant of Uncertain Significance.

NM_001079802.2(FKTN):c.200A>T (p.Asn67Ile)

Gene: FKTN (fukutin; plus strand). Cytogenetic location: 9q31.2.
Variant type: single nucleotide variant.
Coding change: c.200A>T on transcript NM_001079802.2 (MANE Select); coding-DNA position 200, A replaced by T.
Protein change: p.Asn67Ile; replaces asparagine 67 with isoleucine.
Molecular consequence: missense variant. On other transcripts: 5 prime UTR variant (4), non-coding transcript variant (2).
Genome position (GRCh38, 1-based): chr9:105,601,179, A>T. VCF-style: chr9-105601179-A-T. GRCh37 (hg19) VCF-style: chr9-108363460-A-T.
Other names: c.200A>T, p.Asn67Ile (NM_001198963.2, NM_001351496.2, NM_001351498.2 and 1 more transcripts); c.131A>T, p.Asn44Ile (NM_001351497.2); c.-315A>T (NM_001351499.2, NM_001351500.2, NM_001351501.2 and 1 more transcripts); short protein forms N44I, N67I.
Identifiers: ClinVar variation 4747387 (VCV004747387.1).